The following is an entry in ClinVar:

ClinVar aggregate classification (germline): Likely benign (1 of 4 stars; one submission).

Allele frequency attached by ClinVar (database versions not stated): 1000 Genomes Project 30x 0.00047; 1000 Genomes Project 0.00040; TOPMed 0.00043; ESP Exome Variant Server 0.00023.
gnomAD v4.1: 101 of 1,610,776 alleles (0.0063%); highest among the groups gnomAD compares: African/African-American, 0.12%; no homozygotes.

Submission:

GeneDx
Classification: Likely benign. Last evaluated: 2016-06-01. Review status: criteria provided, single submitter. Criteria: GeneDx Variant Classification (06012015). Collection method: clinical testing. Allele origin: germline. Affected: yes.
Comment: This variant is considered likely benign or benign based on one or more of the following criteria: it is a conservative change, it occurs at a poorly conserved position in the protein, it is predicted to be benign by multiple in silico algorithms, and/or has population frequency not consistent with disease.

NM_000303.3(PMM2):c.-15C>G

Gene: PMM2 (phosphomannomutase 2; plus strand). Cytogenetic location: 16p13.2.
Variant type: single nucleotide variant.
Coding change: c.-15C>G on transcript NM_000303.3 (MANE Select); 15 bases upstream of the start codon, C replaced by G.
Molecular consequence: 5 prime UTR variant.
Genome position (GRCh38, 1-based): chr16:8,797,868, C>G. VCF-style: chr16-8797868-C-G. GRCh37 (hg19) VCF-style: chr16-8891725-C-G.
Identifiers: ClinVar variation 386292 (VCV000386292.1), dbSNP rs202199014, ClinGen allele CA7893843.